The following is an entry in ClinVar:

ClinVar aggregate classification (germline): Uncertain significance (1 of 4 stars; one submission).

Conditions:
Benign neonatal seizures. Also called: Convulsions benign familial neonatal dominant form; Autosomal dominant form of benign neonatal seizures; Benign familial neonatal seizures; Benign familial neonatal epilepsy; Benign neonatal familial convulsions. Identifiers: Orphanet 1949, MedGen C0220669, MONDO:0016027.

Allele frequency attached by ClinVar (database versions not stated): gnomAD exomes below 0.00001 and 0.00001; gnomAD 0.00001; 1000 Genomes Project 0.00020; 1000 Genomes Project 30x 0.00031.
gnomAD v4.1: 4 of 1,614,036 alleles (0.00025%); highest among the groups gnomAD compares: African/African-American, 0.004%; no homozygotes.

Submission:

Labcorp Genetics (formerly Invitae), Labcorp
Classification: Uncertain significance for Benign neonatal seizures. Last evaluated: 2022-06-27. Review status: criteria provided, single submitter. Criteria: Invitae Variant Classification Sherloc (09022015). Collection method: clinical testing. Allele origin: germline.
Comment: In summary, the available evidence is currently insufficient to determine the role of this variant in disease. Therefore, it has been classified as a Variant of Uncertain Significance. Advanced modeling of protein sequence and biophysical properties (such as structural, functional, and spatial information, amino acid conservation, physicochemical variation, residue mobility, and thermodynamic stability) performed at Invitae indicates that this missense variant is not expected to disrupt KCNQ3 protein function. This variant has not been reported in the literature in individuals affected with KCNQ3-related conditions. This variant is present in population databases (rs201688404, gnomAD 0.007%). This sequence change replaces alanine, which is neutral and non-polar, with valine, which is neutral and non-polar, at codon 452 of the KCNQ3 protein (p.Ala452Val).

NM_004519.4(KCNQ3):c.1355C>T (p.Ala452Val)

Gene: KCNQ3 (potassium voltage-gated channel subfamily Q member 3; minus strand). Cytogenetic location: 8q24.22.
Variant type: single nucleotide variant.
Coding change: c.1355C>T on transcript NM_004519.4 (MANE Select); coding-DNA position 1355, C replaced by T.
Protein change: p.Ala452Val; replaces alanine 452 with valine.
Molecular consequence: missense variant.
Genome position (GRCh38, 1-based): chr8:132,141,239, G>A on the plus strand (C>T on the coding strand, the complement: KCNQ3 is on the minus strand). VCF-style: chr8-132141239-G-A. GRCh37 (hg19) VCF-style: chr8-133153486-G-A.
Other names: c.995C>T, p.Ala332Val (NM_001204824.2); short protein forms A332V, A452V.
Identifiers: ClinVar variation 1523990 (VCV001523990.8), dbSNP rs201688404, ClinGen allele CA185432832.